The following is an entry in ClinVar:

ClinVar aggregate classification (germline): Uncertain significance. Review status: criteria provided, multiple submitters, no conflicts (2 of 4 stars). 2 submissions from 2 submitters: Uncertain significance (2). Last evaluated 2024-10-31.

Conditions:
Cardiovascular phenotype. Identifiers: MedGen CN230736.

Allele frequency attached by ClinVar (database versions not stated): gnomAD exomes below 0.00001; TOPMed 0.00001.
gnomAD v4.1: 4 of 1,612,574 alleles (0.00025%); highest among the groups gnomAD compares: Non-Finnish European, 0.00034%; no homozygotes.

Submissions (2):

Ambry Genetics
Classification: Uncertain significance for Cardiovascular phenotype. Last evaluated: 2024-10-31. Review status: criteria provided, single submitter. Criteria: Ambry Variant Classification Scheme 2023. Collection method: clinical testing. Allele origin: germline.
Comment: The p.K30E variant (also known as c.88A>G), located in coding exon 1 of the TBX20 gene, results from an A to G substitution at nucleotide position 88. The lysine at codon 30 is replaced by glutamic acid, an amino acid with similar properties. This variant has been reported in a dilated cardiomyopathy (DCM) cohort (Mazzarotto F et al. Circulation, 2020 Feb;141:387-398). This amino acid position is well conserved in available vertebrate species. In addition, the in silico prediction for this alteration is inconclusive. Based on the available evidence, the clinical significance of this variant remains unclear.

Labcorp Genetics (formerly Invitae), Labcorp
Classification: Uncertain significance. Last evaluated: 2022-03-12. Review status: criteria provided, single submitter. Criteria: Invitae Variant Classification Sherloc (09022015). Collection method: clinical testing. Allele origin: germline.
Comment: In summary, the available evidence is currently insufficient to determine the role of this variant in disease. Therefore, it has been classified as a Variant of Uncertain Significance. Algorithms developed to predict the effect of missense changes on protein structure and function (SIFT, PolyPhen-2, Align-GVGD) all suggest that this variant is likely to be tolerated. This variant has not been reported in the literature in individuals affected with TBX20-related conditions. This variant is present in population databases (no rsID available, gnomAD 0.0009%). This sequence change replaces lysine, which is basic and polar, with glutamic acid, which is acidic and polar, at codon 30 of the TBX20 protein (p.Lys30Glu).

Literature cited by the submitters: PubMed 31983221 (cited by Ambry Genetics).

NM_001077653.2(TBX20):c.88A>G (p.Lys30Glu)

Gene: TBX20 (T-box transcription factor 20; minus strand). Cytogenetic location: 7p14.2.
Variant type: single nucleotide variant.
Coding change: c.88A>G on transcript NM_001077653.2 (MANE Select); coding-DNA position 88, A replaced by G.
Protein change: p.Lys30Glu; replaces lysine 30 with glutamic acid.
Molecular consequence: missense variant.
Genome position (GRCh38, 1-based): chr7:35,253,533, T>C on the plus strand (A>G on the coding strand, the complement: TBX20 is on the minus strand). VCF-style: chr7-35253533-T-C. GRCh37 (hg19) VCF-style: chr7-35293144-T-C.
Other names: c.88A>G, p.Lys30Glu (NM_001166220.1); short protein forms K30E.
Identifiers: ClinVar variation 2109953 (VCV002109953.5), dbSNP rs1324827144, ClinGen allele CA367265537.